The following is an entry in ClinVar:

ClinVar aggregate classification (germline): Pathogenic (1 of 4 stars; one submission).

Conditions:
Early-infantile DEE. Also called: Ohtahara syndrome; Early infantile epileptic encephalopathy with suppression bursts; Early infantile epileptic encephalopathy. Identifiers: Orphanet 1934, MedGen C0393706, MONDO:0800491.

Submission:

Labcorp Genetics (formerly Invitae), Labcorp
Classification: Pathogenic for Early-infantile DEE. Last evaluated: 2021-12-03. Review status: criteria provided, single submitter. Criteria: Invitae Variant Classification Sherloc (09022015). Collection method: clinical testing. Allele origin: germline.
Comment: This sequence change replaces glutamine, which is neutral and polar, with histidine, which is basic and polar, at codon 1719 of the SCN1A protein (p.Gln1719His). For these reasons, this variant has been classified as Pathogenic. Advanced modeling of protein sequence and biophysical properties (such as structural, functional, and spatial information, amino acid conservation, physicochemical variation, residue mobility, and thermodynamic stability) performed at Invitae indicates that this missense variant is expected to disrupt SCN1A protein function. ClinVar contains an entry for this variant (Variation ID: 843435). This missense change has been observed in individual(s) with clinical features of SCN1A-related conditions (Invitae). In at least one individual the variant was observed to be de novo. This variant is not present in population databases (gnomAD no frequency).

NM_001165963.4(SCN1A):c.5157A>C (p.Gln1719His)

Genes: SCN1A (sodium voltage-gated channel alpha subunit 1; minus strand), LOC102724058 (uncharacterized LOC102724058; plus strand). Cytogenetic location: 2q24.3.
Variant type: single nucleotide variant.
Coding change: c.5157A>C on transcript NM_001165963.4 (MANE Select); coding-DNA position 5157, A replaced by C.
Protein change: p.Gln1719His; replaces glutamine 1719 with histidine.
Molecular consequence: missense variant. On other transcripts: non-coding transcript variant (1).
Genome position (GRCh38, 1-based): chr2:165,992,118, T>G on the plus strand (A>C on the coding strand, the complement: SCN1A is on the minus strand). VCF-style: chr2-165992118-T-G. GRCh37 (hg19) VCF-style: chr2-166848628-T-G.
Other names: c.5073A>C, p.Gln1691His (NM_001165964.3, NM_001353957.2, NM_001353958.2); c.5157A>C, p.Gln1719His (NM_001202435.3, NM_001353948.2); c.5124A>C, p.Gln1708His (NM_001353949.2, NM_001353950.2, NM_001353951.2 and 2 more transcripts); c.5121A>C, p.Gln1707His (NM_001353954.2, NM_001353955.2); c.5070A>C, p.Gln1690His (NM_001353960.2); c.2715A>C, p.Gln905His (NM_001353961.2); short protein forms Q1690H, Q1719H, Q1691H, Q1707H, Q1708H, Q905H.
Identifiers: ClinVar variation 843435 (VCV000843435.8), dbSNP rs1689285717, ClinGen allele CA349068865.